The following is an entry in ClinVar:

NM_001378457.1(DMXL2):c.6898A>G (p.Arg2300Gly)

Gene: DMXL2 (Dmx like 2; minus strand). Cytogenetic location: 15q21.2.
Variant type: single nucleotide variant.
Coding change: c.6898A>G on transcript NM_001378457.1 (MANE Select); coding-DNA position 6898, A replaced by G.
Protein change: p.Arg2300Gly; replaces arginine 2300 with glycine.
Molecular consequence: missense variant. On other transcripts: non-coding transcript variant (2).
Genome position (GRCh38, 1-based): chr15:51,476,655, T>C on the plus strand (A>G on the coding strand, the complement: DMXL2 is on the minus strand). VCF-style: chr15-51476655-T-C. GRCh37 (hg19) VCF-style: chr15-51768852-T-C.
Other names: c.6898A>G, p.Arg2300Gly (NM_001174116.3, NM_001378459.1, NM_001378461.1 and 1 more transcripts); c.4987A>G, p.Arg1663Gly (NM_001174117.3); c.6895A>G, p.Arg2299Gly (NM_001378458.1, NM_001378462.1, NM_015263.5); c.4876A>G, p.Arg1626Gly (NM_001378460.1); c.6655A>G, p.Arg2219Gly (NM_001378464.1); short protein forms R1626G, R2219G, R1663G, R2299G, R2300G.
Identifiers: ClinVar variation 1960532 (VCV001960532.2), dbSNP rs1198548513, ClinGen allele CA392441549.
Genomic context (GRCh38, chr15:51,476,655, plus strand): 5'-ATTGAGCAGGAGATGAATTTGGTGTTGCGTGTTCTTCAATGCTTTCTGTCCTTAGTCTTC[T>C]ACGATCACTTAAAAGAAGTCCTTGATAAGCCATTCCTGTAAACTGATTTCCTTCTGTTTG-3'
Protein context (NP_001365386.1, residues 2290-2310): AYQGLLLSDR[Arg2300Gly]RLRTESIEEH

ClinVar aggregate classification (germline): Uncertain significance (1 of 4 stars; one submission).

Allele frequency attached by ClinVar (database versions not stated): gnomAD exomes below 0.00001; TOPMed 0.00001.
gnomAD v4.1: 2 of 1,611,828 alleles (0.00012%); highest among the groups gnomAD compares: Admixed American, 0.0017%; no homozygotes.

Submission:

Labcorp Genetics (formerly Invitae), Labcorp
Classification: Uncertain significance. Last evaluated: 2022-05-22. Review status: criteria provided, single submitter. Criteria: Invitae Variant Classification Sherloc (09022015). Collection method: clinical testing. Allele origin: germline.
Comment: This sequence change replaces arginine, which is basic and polar, with glycine, which is neutral and non-polar, at codon 2300 of the DMXL2 protein (p.Arg2300Gly). This variant is not present in population databases (gnomAD no frequency). This variant has not been reported in the literature in individuals affected with DMXL2-related conditions. Algorithms developed to predict the effect of missense changes on protein structure and function are either unavailable or do not agree on the potential impact of this missense change (SIFT: "Deleterious"; PolyPhen-2: "Possibly Damaging"; Align-GVGD: "Class C0"). In summary, the available evidence is currently insufficient to determine the role of this variant in disease. Therefore, it has been classified as a Variant of Uncertain Significance.